The following is an entry in ClinVar:

NM_000057.4(BLM):c.2839dup (p.Ile947fs)

Gene: BLM (BLM RecQ like helicase; plus strand). Cytogenetic location: 15q26.1.
Variant type: Duplication.
Coding change: c.2839dup on transcript NM_000057.4 (MANE Select); coding-DNA position 2839, one base duplicated (A; older notation c.2839dupA).
Protein change: p.Ile947fs; shifts the reading frame from isoleucine 947.
Molecular consequence: frameshift variant.
Genome position (GRCh38, 1-based): chr15:90,790,664, A duplicated; the last of 2 consecutive A bases (chr15:90,790,663-90,790,664); duplicating either gives the same sequence. VCF-style (leftmost placement, unchanged base first): chr15-90790662-C-CA. GRCh37 (hg19) VCF-style: chr15-91333892-C-CA.
Other names: c.2839dup, p.Ile947fs (NM_001287246.2, NM_001287247.2); c.1714dup, p.Ile572fs (NM_001287248.2); c.2839dupA (NM_000057.2); short protein forms I572fs, I947fs.
Identifiers: ClinVar variation 3480855 (VCV003480855.1).

ClinVar aggregate classification (germline): Pathogenic (1 of 4 stars; one submission).

Conditions:
Hereditary cancer-predisposing syndrome. Also called: Tumor predisposition; Neoplastic Syndromes, Hereditary; Hereditary Cancer Syndrome; Hereditary neoplastic syndrome. Identifiers: Orphanet 140162, MedGen C0027672, MeSH D009386, MONDO:0015356.

Submission:

Ambry Genetics
Classification: Pathogenic for Hereditary cancer-predisposing syndrome. Last evaluated: 2024-10-14. Review status: criteria provided, single submitter. Criteria: Ambry Variant Classification Scheme 2023. Collection method: clinical testing. Allele origin: germline.
Comment: The c.2839dupA pathogenic mutation, located in coding exon 14 of the BLM gene, results from a duplication of A at nucleotide position 2839, causing a translational frameshift with a predicted alternate stop codon (p.I947Nfs*8). This variant is considered to be rare based on population cohorts in the Genome Aggregation Database (gnomAD). This alteration is expected to result in loss of function by premature protein truncation or nonsense-mediated mRNA decay. As such, this alteration is interpreted as a disease-causing mutation.